The following is an entry in ClinVar:

NM_000368.5(TSC1):c.1961A>T (p.Gln654Leu)

Gene: TSC1 (TSC complex subunit 1; minus strand). Cytogenetic location: 9q34.13.
Variant type: single nucleotide variant.
Coding change: c.1961A>T on transcript NM_000368.5 (MANE Select); coding-DNA position 1961, A replaced by T.
Protein change: p.Gln654Leu; replaces glutamine 654 with leucine.
Molecular consequence: missense variant. On other transcripts: non-coding transcript variant (5).
Genome position (GRCh38, 1-based): chr9:132,905,617, T>A on the plus strand (A>T on the coding strand, the complement: TSC1 is on the minus strand). VCF-style: chr9-132905617-T-A. GRCh37 (hg19) VCF-style: chr9-135781004-T-A.
Other names: c.1808A>T, p.Gln603Leu (NM_001406610.1, NM_001162427.2); c.1805A>T, p.Gln602Leu (NM_001406611.1, NM_001406612.1, NM_001406613.1); c.1598A>T, p.Gln533Leu (NM_001406614.1, NM_001406615.1, NM_001406616.1 and 5 more transcripts); c.1958A>T, p.Gln653Leu (NM_001162426.2, NM_001406597.1, NM_001406598.1 and 6 more transcripts); c.1961A>T, p.Gln654Leu (NM_001406592.1, NM_001406593.1, NM_001406594.1 and 7 more transcripts); c.1595A>T, p.Gln532Leu (NM_001406620.1, NM_001406621.1, NM_001406622.1 and 2 more transcripts); c.1010A>T, p.Gln337Leu (NM_001406626.1); c.1007A>T, p.Gln336Leu (NM_001406627.1, NM_001406628.1); and 1 more; short protein forms Q303L, Q336L, Q653L, Q603L, Q337L, Q532L, Q533L, Q602L.
Identifiers: ClinVar variation 5031256 (VCV005031256.1).

ClinVar aggregate classification (germline): Uncertain significance (1 of 4 stars; one submission).

Conditions:
Hereditary cancer-predisposing syndrome. Also called: Neoplastic Syndromes, Hereditary; Tumor predisposition; Hereditary neoplastic syndrome; Hereditary Cancer Syndrome. Identifiers: Orphanet 140162, MedGen C0027672, MeSH D009386, MONDO:0015356.

gnomAD v4.1: 1 of 1,614,252 alleles (0.000062%); highest among the groups gnomAD compares: South Asian, 0.0011%; no homozygotes.

Submission:

Ambry Genetics
Classification: Uncertain significance for Hereditary cancer-predisposing syndrome. Last evaluated: 2026-08-16. Review status: criteria provided, single submitter. Criteria: Ambry Variant Classification Scheme 2023. Collection method: clinical testing. Allele origin: germline.
Comment: The p.Q654L variant (also known as c.1961A>T), located in coding exon 13 of the TSC1 gene, results from an A to T substitution at nucleotide position 1961. The glutamine at codon 654 is replaced by leucine, an amino acid with dissimilar properties. This amino acid position is conserved. In addition, the in silico prediction for this alteration is inconclusive. Based on the available evidence, the clinical significance of this variant remains unclear.